The following is an entry in ClinVar:

ClinVar aggregate classification (germline): Conflicting classifications of pathogenicity. Review status: criteria provided, conflicting classifications (1 of 4 stars). 2 submissions from 2 submitters: Likely pathogenic (1); Uncertain significance (1). Last evaluated 2022-09-14.

Conditions:
Dilated cardiomyopathy 1Y (CMD1Y). Identifiers: Orphanet 154, Orphanet 54260, MedGen C2678476, MONDO:0012744, OMIM 611878.

Submissions (2):

Blueprint Genetics
Classification: Uncertain significance. Last evaluated: 2022-09-14. Review status: criteria provided, single submitter. Criteria: ACMG Guidelines, 2015. Collection method: clinical testing. Allele origin: germline.

Center for Medical Genetics Ghent, University of Ghent
Classification: Likely pathogenic for Dilated cardiomyopathy 1Y. Last evaluated: 2016-02-09. Review status: criteria provided, single submitter. Criteria: ACMG Guidelines, 2015. Collection method: clinical testing. Allele origin: de novo. Affected: yes.
Comment: This variant has not been identified in large population databases (Gnomad, 1000 Genomes, Go NL, Exome Variant Server) and is predicted to have an impact on protein function according to multiple prediction programs. This variant is a de novo variant (maternity and paternity was tested).

NM_001018005.2(TPM1):c.519G>C (p.Glu173Asp)

Gene: TPM1 (tropomyosin 1; plus strand). Cytogenetic location: 15q22.2.
Variant type: single nucleotide variant.
Coding change: c.519G>C on transcript NM_001018005.2 (MANE Select); coding-DNA position 519, G replaced by C.
Protein change: p.Glu173Asp; replaces glutamic acid 173 with aspartic acid.
Molecular consequence: missense variant.
Genome position (GRCh38, 1-based): chr15:63,060,895, G>C. VCF-style: chr15-63060895-G-C. GRCh37 (hg19) VCF-style: chr15-63353094-G-C.
Other names: c.519G>C, p.Glu173Asp (NM_000366.6, NM_001018004.2, NM_001018006.2 and 6 more transcripts); c.411G>C, p.Glu137Asp (NM_001018008.2, NM_001301289.2, NM_001330344.2 and 5 more transcripts); c.645G>C, p.Glu215Asp (NM_001365778.1); short protein forms E173D, E215D, E137D.
Identifiers: ClinVar variation 254158 (VCV000254158.3), dbSNP rs886037905, ClinGen allele CA10586357.
Genomic context (GRCh38, chr15:63,060,895, plus strand): 5'-CCCATGGTGTGTGTGTTGTGTCTTCCTGCTGCAGGTGGCCCGTAAGCTGGTCATCATTGA[G>C]AGCGACCTGGAACGTGCAGAGGAGCGGGCTGAGCTCTCAGAAGGGTAAGCGGGCCCGGCG-3'
Protein context (NP_001018005.1, residues 163-183): EEVARKLVII[Glu173Asp]SDLERAEERA